The following is an entry in ClinVar:

NM_001184880.2(PCDH19):c.1835G>T (p.Arg612Leu)

Gene: PCDH19 (protocadherin 19; minus strand). Cytogenetic location: Xq22.1.
Variant type: single nucleotide variant.
Coding change: c.1835G>T on transcript NM_001184880.2 (MANE Select); coding-DNA position 1835, G replaced by T.
Protein change: p.Arg612Leu; replaces arginine 612 with leucine.
Molecular consequence: missense variant.
Genome position (GRCh38, 1-based): chrX:100,406,763, C>A on the plus strand (G>T on the coding strand, the complement: PCDH19 is on the minus strand). VCF-style: chrX-100406763-C-A. GRCh37 (hg19) VCF-style: chrX-99661761-C-A.
Other names: c.1835G>T, p.Arg612Leu (NM_001105243.2, NM_020766.3); short protein forms R612L.
Identifiers: ClinVar variation 4882430 (VCV004882430.2).

ClinVar aggregate classification (germline): Uncertain significance (1 of 4 stars; one submission).

Submission:

Dasa
Classification: Uncertain significance. Last evaluated: 2025-04-29. Review status: criteria provided, single submitter. Criteria: DASA Assertion Criteria. Collection method: clinical testing. Allele origin: germline.
Comment: NM_001184880.2(PCDH19):c.1835G>T (p.Arg612Leu) is a missense variant that results in the substitution of arginine with leucine. This variant is absent from population databases. Computational prediction algorithms are consistent with a benign effect. The currently available literature and clinical evidence are not sufficient to establish a definitive association between this variant and the reported condition. Therefore, this variant is classified as a variant of uncertain significance.